The following is an entry in ClinVar:

NM_016169.4(SUFU):c.280G>T (p.Gly94Cys)

Gene: SUFU (SUFU negative regulator of hedgehog signaling; plus strand). Cytogenetic location: 10q24.32.
Variant type: single nucleotide variant.
Coding change: c.280G>T on transcript NM_016169.4 (MANE Select); coding-DNA position 280, G replaced by T.
Protein change: p.Gly94Cys; replaces glycine 94 with cysteine.
Molecular consequence: missense variant.
Genome position (GRCh38, 1-based): chr10:102,509,266, G>T. VCF-style: chr10-102509266-G-T. GRCh37 (hg19) VCF-style: chr10-104269023-G-T.
Other names: c.280G>T, p.Gly94Cys (NM_001178133.2); short protein forms G94C.
Identifiers: ClinVar variation 4530297 (VCV004530297.1).

ClinVar aggregate classification (somatic clinical impact): Tier I - Strong (1 of 4 stars; one submission).

Conditions:
Medulloblastoma (MDB). Also called: MEDULLOBLASTOMA PREDISPOSITION SYNDROME; Medulloblastoma, somatic. Identifiers: Orphanet 616, MedGen C0025149, MeSH D008527, MONDO:0007959, OMIM 155255, HP:0002885.

gnomAD v4.1: 1 of 1,614,126 alleles (0.000062%); highest among the groups gnomAD compares: Non-Finnish European, 0.000085%; no homozygotes.

Submission:

Institute for Genomic Medicine (IGM) Clinical Laboratory, Nationwide Children's Hospital
Classification: Tier I - Strong for Medulloblastoma. Assertion type: diagnostic. Clinical significance: supports diagnosis. Last evaluated: 2024-02-26. Review status: criteria provided, single submitter. Criteria: AMP/ASCO/CAP Guidelines, 2017. Collection method: clinical testing. Allele origin: somatic. Affected: yes.
Comment: Variant has Tier I (strong) clinical significance as a diagnostic inclusion criterion in medulloblastoma, based on the following evidence: 1) Diagnostic for a specific tumor type/classification based on well-powered studies with expert-level consensus (Evidence Level B; PMIDs: 28726821, 31774708, 32330099).

Literature cited by the submitters: PubMed 28726821; PubMed 31774708; PubMed 32330099.